The following is an entry in ClinVar:

NM_007294.4(BRCA1):c.212+2T>C

Gene: BRCA1 (BRCA1 DNA repair associated; minus strand). Cytogenetic location: 17q21.31.
Variant type: single nucleotide variant.
Coding change: c.212+2T>C on transcript NM_007294.4 (MANE Select); the canonical splice donor site of the intron after coding-DNA position 212, T replaced by C.
Molecular consequence: splice donor variant. On other transcripts: intron variant (95).
Genome position (GRCh38, 1-based): chr17:43,106,454, A>G on the plus strand (T>C on the coding strand, the complement: BRCA1 is on the minus strand). VCF-style: chr17-43106454-A-G. GRCh37 (hg19) VCF-style: chr17-41258471-A-G.
Other names: IVS5+2T>C; c.71+2T>C (NM_001408458.1, NM_001407931.1, NM_001407747.1 and 99 more transcripts); c.-218-11594T>C (NM_001407967.1, NM_001407966.1); c.-169-1498T>C (NM_001407959.1, NM_001407962.1, NM_001408512.1 and 4 more transcripts); c.2+24T>C (NM_001407885.1, NM_001407886.1, NM_001407898.1 and 58 more transcripts); c.212+2T>C (NM_001407686.1, NM_001408397.1, NM_001407632.1 and 167 more transcripts); c.81-1498T>C (NM_001408451.1); c.135-1498T>C (NM_001408475.1, NM_001407875.1, NM_001407659.1 and 21 more transcripts).
Identifiers: ClinVar variation 54466 (VCV000054466.10), dbSNP rs80358026, ClinGen allele CA001411.
Genomic context (GRCh38, chr17:43,106,454, plus strand): 5'-ATAATTTCTACTTTTTCCTACTGTGGTTGCTTCCAACCTAGCATCATTACCAAATTATAT[A>G]CCTTTTGGTTATATCATTCTTACATAAAGGACACTGTGAAGGCCCTTTCTTCTGGTTGAG-3'

ClinVar aggregate classification (germline): Pathogenic/Likely pathogenic. Review status: criteria provided, multiple submitters, no conflicts (2 of 4 stars). 5 submissions from 5 submitters: Pathogenic (3); Likely pathogenic (1). 1 of the submissions does not count toward it. Last evaluated 2026-06-24.

Conditions:
Inherited breast cancer and ovarian cancer.
Hereditary cancer-predisposing syndrome. Also called: Tumor predisposition; Neoplastic Syndromes, Hereditary; Hereditary Cancer Syndrome; Hereditary neoplastic syndrome. Identifiers: Orphanet 140162, MedGen C0027672, MeSH D009386, MONDO:0015356.
Breast-ovarian cancer, familial, susceptibility to, 1 (BROVCA1). Also called: OVARIAN CANCER, SUSCEPTIBILITY TO; BRCA1 Hereditary Breast and Ovarian Cancer. Identifiers: Orphanet 145, MedGen C2676676, MONDO:0011450, OMIM 604370. Disease mechanism: loss of function.

Submissions (6):

Cambridge Genomics Laboratory, East Genomic Laboratory Hub, NHS Genomic Medicine Service
Classification: Pathogenic for Inherited breast cancer and ovarian cancer. Last evaluated: 2026-06-24. Review status: criteria provided, single submitter. Criteria: ACGS Best Practice Guidelines for Variant Classification in Rare Disease 2020. Collection method: clinical testing. Allele origin: germline. Affected: yes.
Comment: PVS1,PM2

Quest Diagnostics Nichols Institute San Juan Capistrano
Classification: Pathogenic. Last evaluated: 2023-07-10. Review status: criteria provided, single submitter. Criteria: Quest Diagnostics criteria. Collection method: clinical testing. Allele origin: unknown.
Comment: The BRCA1 c.212+2T>C variant disrupts a canonical splice-donor site and interferes with normal BRCA1 mRNA splicing. This variant has been reported in the published literature in individuals with ovarian cancer (PMID: 7493024 (1995)) and breast cancer (PMID: 7493024 (1995), 30287823 (2018)). This variant apparently caused loss of function in a large-scale study using a haploid cell line (PMID: 30209399 (2018)). This variant has not been reported in large, multi-ethnic general populations (Genome Aggregation Database). Based on the available information, this variant is classified as pathogenic.

Ambry Genetics
Classification: Likely pathogenic for Hereditary cancer-predisposing syndrome. Last evaluated: 2016-06-16. Review status: criteria provided, single submitter. Criteria: Ambry Variant Classification Scheme 2023. Collection method: clinical testing. Allele origin: germline.
Comment: The c.212+2T>C intronic variant results from a T to C substitution two nucleotides after coding exon 3 in the BRCA1 gene. This alteration has been reported (designated as 331+2T>C) in a family with 3 ovarian cancers and 1 breast cancer under 60 years old from a cohort of 60 families with breast and/or ovarian cancer (Gayther SA et al. Nat. Genet. 1995 Dec; 11(4):428-33). This variant was previously reported in the SNPDatabase as rs80358026. This variant was not reported in population-based cohorts in the following databases: NHLBI Exome Sequencing Project (ESP) and 1000 Genomes Project. To date, this alteration has been detected with an allele frequency of approximately 0.0007% (greater than 300000 alleles tested) in our clinical cohort. This nucleotide position is highly conserved in available vertebrate species. Using the BDGP and ESEfinder splice site prediction tools, this alteration is predicted to abolish the native splice donor site; however, direct evidence is unavailable. Alterations that disrupt the canonical splice donor site are typically deleterious in nature (ACMG Recommendations for Standards for Interpretation and Reporting of Sequence Variations. Revision 2007. Genet Med. 2008;10:294). As such, the c.212+2T>C variant is classified as likely pathogenic.

Consortium of Investigators of Modifiers of BRCA1/2 (CIMBA), c/o University of Cambridge
Classification: Pathogenic for Breast-ovarian cancer, familial, susceptibility to, 1. Last evaluated: 2015-10-02. Review status: criteria provided, single submitter. Criteria: CIMBA Mutation Classification guidelines May 2016. Collection method: clinical testing. Allele origin: germline.

Breast Cancer Information Core (BIC) (BRCA1)
Classification: Pathogenic for Breast-ovarian cancer, familial 1. Review status: no assertion criteria provided. Collection method: clinical testing. Allele origin: germline. Affected: yes. Observed: 1 variant allele. Not counted in ClinVar's aggregate classification.

Brotman Baty Institute, University of Washington
No classification provided (evidence only). Condition: Breast-ovarian cancer, familial 1. Review status: no classification provided. Collection method: in vitro. Allele origin: not applicable. Functional consequence: functionally_abnormal. Not counted in ClinVar's aggregate classification.
ClinVar note: "not provided" was previously submitted as the classification for the variant. However, the classification appeared to be based only on an observation of functional data so it was converted to no classification on 2025-07-30.

Literature cited by the submitters: PubMed 22505045 (cited by Quest Diagnostics Nichols Institute San Juan Capistrano); PubMed 29446198 (cited by Quest Diagnostics Nichols Institute San Juan Capistrano); PubMed 30209399 (cited by Quest Diagnostics Nichols Institute San Juan Capistrano); PubMed 7493024 (cited by Quest Diagnostics Nichols Institute San Juan Capistrano and Ambry Genetics); PubMed 30287823 (cited by Quest Diagnostics Nichols Institute San Juan Capistrano).